The following is an entry in ClinVar:

NM_001145648.3(RASGRF1):c.108C>T (p.Asn36=)

Gene: RASGRF1 (Ras protein specific guanine nucleotide releasing factor 1; minus strand). Cytogenetic location: 15q25.1.
Variant type: single nucleotide variant.
Coding change: c.108C>T on transcript NM_001145648.3 (MANE Select); coding-DNA position 108, C replaced by T.
Protein change: p.Asn36=; no amino-acid change (asparagine 36 retained).
Molecular consequence: synonymous variant.
Genome position (GRCh38, 1-based): chr15:79,090,391, G>A on the plus strand (C>T on the coding strand, the complement: RASGRF1 is on the minus strand). VCF-style: chr15-79090391-G-A. GRCh37 (hg19) VCF-style: chr15-79382733-G-A.
Other names: c.108C>T, p.Asn36= (NM_002891.6).
Identifiers: ClinVar variation 787183 (VCV000787183.29), dbSNP rs147992380, ClinGen allele CA7689185.

ClinVar aggregate classification (germline): Benign/Likely benign. Review status: criteria provided, multiple submitters, no conflicts (2 of 4 stars). 3 submissions from 3 submitters: Benign (2); Likely benign (1). Last evaluated 2023-02-01.

Allele frequency attached by ClinVar (database versions not stated): 1000 Genomes Project 30x 0.00281; 1000 Genomes Project 0.00319; gnomAD 0.00451 and 0.00466; TOPMed 0.00466; ESP Exome Variant Server 0.00501; gnomAD exomes 0.00605; ExAC 0.00656.
gnomAD v4.1: 9,162 of 1,613,676 alleles (0.57%); highest among the groups gnomAD compares: Middle Eastern, 1.2%; 35 homozygotes.

Submissions (3):

CeGaT Center for Human Genetics Tuebingen
Classification: Likely benign. Last evaluated: 2023-02-01. Review status: criteria provided, single submitter. Criteria: CeGaT Center For Human Genetics Tuebingen Variant Classification Criteria Version 2. Collection method: clinical testing. Allele origin: germline. Affected: yes. Observed: 2 variant alleles.
Comment: RASGRF1: BP4, BS2

Labcorp Genetics (formerly Invitae), Labcorp
Classification: Benign. Last evaluated: 2019-12-31. Review status: criteria provided, single submitter. Criteria: Invitae Variant Classification Sherloc (09022015). Collection method: clinical testing. Allele origin: germline.

Breakthrough Genomics
Classification: Benign. Review status: criteria provided, single submitter. Criteria: ACMG Guidelines, 2015. Collection method: not provided. Allele origin: germline. Inheritance: Unknown mechanism. Affected: yes.